The following is an entry in ClinVar:

NM_001042492.3(NF1):c.3743A>T (p.Asp1248Val)

Gene: NF1 (neurofibromin 1; plus strand). Cytogenetic location: 17q11.2.
Variant type: single nucleotide variant.
Coding change: c.3743A>T on transcript NM_001042492.3 (MANE Select); coding-DNA position 3743, A replaced by T.
Protein change: p.Asp1248Val; replaces aspartic acid 1248 with valine.
Molecular consequence: missense variant.
Genome position (GRCh38, 1-based): chr17:31,235,645, A>T. VCF-style: chr17-31235645-A-T. GRCh37 (hg19) VCF-style: chr17-29562663-A-T.
Other names: c.3743A>T, p.Asp1248Val (NM_000267.4); short protein forms D1248V.
Identifiers: ClinVar variation 3634538 (VCV003634538.2).
Genomic context (GRCh38, chr17:31,235,645, plus strand): 5'-CTAACCTGATTTTGTTTTGTTCTCAGGATGAACTAGCTCGAGTTCTGGTTACTCTGTTTG[A>T]TTCTCGGCATTTACTCTACCAACTGCTCTGGAACATGTTTTCTAAAGAAGTAGAATTGGC-3'
Protein context (NP_001035957.1, residues 1238-1258): ELARVLVTLF[Asp1248Val]SRHLLYQLLW

ClinVar aggregate classification (germline): Uncertain significance (1 of 4 stars; one submission).

Conditions:
Neurofibromatosis, type 1 (NF1). Also called: VON RECKLINGHAUSEN DISEASE; Peripheral type neurofibromatosis; NEUROFIBROMATOSIS, TYPE I, SOMATIC; Neurofibromatosis, type I. Identifiers: Orphanet 636, MedGen C0027831, MONDO:0018975, OMIM 162200. Disease mechanism: loss of function.

Submission:

Labcorp Genetics (formerly Invitae), Labcorp
Classification: Uncertain significance for Neurofibromatosis, type 1. Last evaluated: 2024-06-24. Review status: criteria provided, single submitter. Criteria: Invitae Variant Classification Sherloc (09022015). Collection method: clinical testing. Allele origin: germline.
Comment: This sequence change replaces aspartic acid, which is acidic and polar, with valine, which is neutral and non-polar, at codon 1248 of the NF1 protein (p.Asp1248Val). This variant is not present in population databases (gnomAD no frequency). This variant has not been reported in the literature in individuals affected with NF1-related conditions. Advanced modeling of protein sequence and biophysical properties (such as structural, functional, and spatial information, amino acid conservation, physicochemical variation, residue mobility, and thermodynamic stability) performed at Invitae indicates that this missense variant is expected to disrupt NF1 protein function with a positive predictive value of 95%. In summary, the available evidence is currently insufficient to determine the role of this variant in disease. Therefore, it has been classified as a Variant of Uncertain Significance.